The following is an entry in ClinVar:

ClinVar aggregate classification (germline): Uncertain significance. Review status: criteria provided, multiple submitters, no conflicts (2 of 4 stars). 2 submissions from 2 submitters: Uncertain significance (2). Last evaluated 2026-01-06.

Conditions:
Hereditary cancer-predisposing syndrome. Also called: Tumor predisposition; Hereditary neoplastic syndrome; Neoplastic Syndromes, Hereditary; Hereditary Cancer Syndrome. Identifiers: Orphanet 140162, MedGen C0027672, MeSH D009386, MONDO:0015356.
EGFR-related lung cancer (EGFR). Identifiers: MedGen CN130014.

Allele frequency attached by ClinVar (database versions not stated): gnomAD exomes 0.00001; TOPMed 0.00001; ExAC 0.00002; gnomAD 0.00002.
gnomAD v4.1: 20 of 1,614,048 alleles (0.0012%); highest among the groups gnomAD compares: Non-Finnish European, 0.0016%; no homozygotes.

Submissions (2):

Labcorp Genetics (formerly Invitae), Labcorp
Classification: Uncertain significance for EGFR-related lung cancer. Last evaluated: 2026-01-06. Review status: criteria provided, single submitter. Criteria: Invitae Variant Classification Sherloc (09022015). Collection method: clinical testing. Allele origin: germline.
Comment: This sequence change replaces glutamic acid, which is acidic and polar, with lysine, which is basic and polar, at codon 1193 of the EGFR protein (p.Glu1193Lys). This variant is present in population databases (rs749441331, gnomAD 0.003%). This variant has not been reported in the literature in individuals affected with EGFR-related conditions. ClinVar contains an entry for this variant (Variation ID: 1500719). An algorithm developed to predict the effect of missense changes on protein structure and function (PolyPhen-2) suggests that this variant is likely to be tolerated. In summary, the available evidence is currently insufficient to determine the role of this variant in disease. Therefore, it has been classified as a Variant of Uncertain Significance.

Ambry Genetics
Classification: Uncertain significance for Hereditary cancer-predisposing syndrome. Last evaluated: 2025-03-25. Review status: criteria provided, single submitter. Criteria: Ambry Variant Classification Scheme 2023. Collection method: clinical testing. Allele origin: germline.
Comment: The p.E1193K variant (also known as c.3577G>A), located in coding exon 28 of the EGFR gene, results from a G to A substitution at nucleotide position 3577. The glutamic acid at codon 1193 is replaced by lysine, an amino acid with similar properties. This amino acid position is well conserved in available vertebrate species. In addition, the in silico prediction for this alteration is inconclusive. Based on the available evidence, the clinical significance of this variant remains unclear.

NM_005228.5(EGFR):c.3577G>A (p.Glu1193Lys)

Gene: EGFR (epidermal growth factor receptor; plus strand). Cytogenetic location: 7p11.2.
Variant type: single nucleotide variant.
Coding change: c.3577G>A on transcript NM_005228.5 (MANE Select); coding-DNA position 3577, G replaced by A.
Protein change: p.Glu1193Lys; replaces glutamic acid 1193 with lysine.
Molecular consequence: missense variant.
Genome position (GRCh38, 1-based): chr7:55,205,561, G>A. VCF-style: chr7-55205561-G-A. GRCh37 (hg19) VCF-style: chr7-55273254-G-A.
Other names: c.3442G>A, p.Glu1148Lys (NM_001346899.2); c.3418G>A, p.Glu1140Lys (NM_001346900.2); c.2776G>A, p.Glu926Lys (NM_001346941.2); c.3577G>A (NM_005228.3); short protein forms E926K, E1193K, E1140K, E1148K.
Identifiers: ClinVar variation 1500719 (VCV001500719.7), dbSNP rs749441331, ClinGen allele CA4266428.